The following is an entry in ClinVar:

ClinVar aggregate classification (germline): Pathogenic (1 of 4 stars; one submission).

gnomAD v4.1: 8 of 1,614,018 alleles (0.0005%); highest among the groups gnomAD compares: African/African-American, 0.0013%; no homozygotes.

Submission:

Labcorp Genetics (formerly Invitae), Labcorp
Classification: Pathogenic. Last evaluated: 2023-06-11. Review status: criteria provided, single submitter. Criteria: Invitae Variant Classification Sherloc (09022015). Collection method: clinical testing. Allele origin: germline.
Comment: This variant has not been reported in the literature in individuals affected with CEP152-related conditions. For these reasons, this variant has been classified as Pathogenic. This sequence change creates a premature translational stop signal (p.Arg865*) in the CEP152 gene. It is expected to result in an absent or disrupted protein product. Loss-of-function variants in CEP152 are known to be pathogenic (PMID: 21131973). This variant is present in population databases (no rsID available, gnomAD 0.008%).

Literature cited by the submitters: PubMed 21131973.

NM_001194998.2(CEP152):c.2593C>T (p.Arg865Ter)

Gene: CEP152 (centrosomal protein 152; minus strand). Cytogenetic location: 15q21.1.
Variant type: single nucleotide variant.
Coding change: c.2593C>T on transcript NM_001194998.2 (MANE Select); coding-DNA position 2593, C replaced by T.
Protein change: p.Arg865Ter; replaces arginine 865 with a stop codon.
Molecular consequence: nonsense.
Genome position (GRCh38, 1-based): chr15:48,760,236, G>A on the plus strand (C>T on the coding strand, the complement: CEP152 is on the minus strand). VCF-style: chr15-48760236-G-A. GRCh37 (hg19) VCF-style: chr15-49052433-G-A.
Other names: c.2593C>T, p.Arg865Ter (NM_014985.4); short protein forms R865*.
Identifiers: ClinVar variation 2966659 (VCV002966659.3), dbSNP rs765317927, ClinGen allele CA392345322.